The following is an entry in ClinVar:

ClinVar aggregate classification (germline): Uncertain significance (1 of 4 stars; one submission).

Conditions:
Nephronophthisis 4 (NPHP4). Also called: NEPHRONOPHTHISIS 4, JUVENILE. Identifiers: Orphanet 655, MedGen C1847013, MONDO:0011752, OMIM 606966.

Submission:

MVZ Medizinische Genetik Mainz
Classification: Uncertain significance for Nephronophthisis 4. Last evaluated: 2026-09-16. Review status: criteria provided, single submitter. Criteria: UK Practice Guidelines For Variant Classification V4 01 2020. Collection method: clinical testing. Allele origin: germline. Inheritance: Autosomal recessive inheritance. Affected: yes. Observed: 1 variant allele.
Comment: ACMG Criteria: PM2_SUP,PM3_SUP,PP3

NM_015102.5(NPHP4):c.3362T>A (p.Leu1121Gln)

Gene: NPHP4 (nephrocystin 4; minus strand). Cytogenetic location: 1p36.31.
Variant type: single nucleotide variant.
Coding change: c.3362T>A on transcript NM_015102.5 (MANE Select); coding-DNA position 3362, T replaced by A.
Protein change: p.Leu1121Gln; replaces leucine 1121 with glutamine.
Molecular consequence: missense variant. On other transcripts: non-coding transcript variant (1).
Genome position (GRCh38, 1-based): chr1:5,867,850, A>T on the plus strand (T>A on the coding strand, the complement: NPHP4 is on the minus strand). VCF-style: chr1-5867850-A-T. GRCh37 (hg19) VCF-style: chr1-5927910-A-T.
Other names: c.1823T>A, p.Leu608Gln (NM_001291593.2); c.1826T>A, p.Leu609Gln (NM_001291594.2); short protein forms L1121Q, L608Q, L609Q.
Identifiers: ClinVar variation 5038152 (VCV005038152.1).